The following is an entry in ClinVar:

ClinVar aggregate classification (germline): Uncertain significance. Review status: criteria provided, multiple submitters, no conflicts (2 of 4 stars). 2 submissions from 2 submitters: Uncertain significance (2). Last evaluated 2025-05-23.

Allele frequency attached by ClinVar (database versions not stated): gnomAD exomes below 0.00001.
gnomAD v4.1: 3 of 1,614,172 alleles (0.00019%); highest among the groups gnomAD compares: Non-Finnish European, 0.00025%; no homozygotes.

Submissions (2):

Labcorp Genetics (formerly Invitae), Labcorp
Classification: Uncertain significance. Last evaluated: 2025-05-23. Review status: criteria provided, single submitter. Criteria: Invitae Variant Classification Sherloc (09022015). Collection method: clinical testing. Allele origin: germline.
Comment: This sequence change replaces leucine, which is neutral and non-polar, with histidine, which is basic and polar, at codon 902 of the BUB1 protein (p.Leu902His). This variant is present in population databases (no rsID available, gnomAD 0.0009%). This variant has not been reported in the literature in individuals affected with BUB1-related conditions. ClinVar contains an entry for this variant (Variation ID: 2586163). Experimental studies and prediction algorithms are not available or were not evaluated, and the functional significance of this variant is currently unknown. In summary, the available evidence is currently insufficient to determine the role of this variant in disease. Therefore, it has been classified as a Variant of Uncertain Significance.

Ambry Genetics
Classification: Uncertain significance. Last evaluated: 2023-08-13. Review status: criteria provided, single submitter. Criteria: Ambry Variant Classification Scheme 2023. Collection method: clinical testing. Allele origin: germline.
Comment: The p.L902H variant (also known as c.2705T>A), located in coding exon 22 of the BUB1 gene, results from a T to A substitution at nucleotide position 2705. The leucine at codon 902 is replaced by histidine, an amino acid with similar properties. This amino acid position is conserved. In addition, this alteration is predicted to be deleterious by in silico analysis. Since supporting evidence is limited at this time, the clinical significance of this alteration remains unclear.

NM_004336.5(BUB1):c.2705T>A (p.Leu902His)

Gene: BUB1 (BUB1 mitotic checkpoint serine/threonine kinase; minus strand). Cytogenetic location: 2q13.
Variant type: single nucleotide variant.
Coding change: c.2705T>A on transcript NM_004336.5 (MANE Select); coding-DNA position 2705, T replaced by A.
Protein change: p.Leu902His; replaces leucine 902 with histidine.
Molecular consequence: missense variant. On other transcripts: intron variant (1).
Genome position (GRCh38, 1-based): chr2:110,641,385, A>T on the plus strand (T>A on the coding strand, the complement: BUB1 is on the minus strand). VCF-style: chr2-110641385-A-T. GRCh37 (hg19) VCF-style: chr2-111398962-A-T.
Other names: c.2645T>A, p.Leu882His (NM_001278616.2); c.2626-193T>A (NM_001278617.2); short protein forms L882H, L902H.
Identifiers: ClinVar variation 2586163 (VCV002586163.3), dbSNP rs1376171949, ClinGen allele CA348089705.